The following is an entry in ClinVar:

NM_001256071.3(RNF213):c.13475G>A (p.Arg4492Gln)

Genes: RNF213 (ring finger protein 213; plus strand), RNF213-AS1 (RNF213 antisense RNA 1; minus strand). Cytogenetic location: 17q25.3.
Variant type: single nucleotide variant.
Coding change: c.13475G>A on transcript NM_001256071.3 (MANE Select); coding-DNA position 13475, G replaced by A.
Protein change: p.Arg4492Gln; replaces arginine 4492 with glutamine.
Molecular consequence: missense variant.
Genome position (GRCh38, 1-based): chr17:80,376,928, G>A. VCF-style: chr17-80376928-G-A. GRCh37 (hg19) VCF-style: chr17-78350728-G-A.
Other names: c.13622G>A, p.Arg4541Gln (NM_001410195.1, NM_020914.5); short protein forms R4492Q, R4541Q.
Identifiers: ClinVar variation 4708315 (VCV004708315.2).

ClinVar aggregate classification (germline): Uncertain significance. Review status: criteria provided, multiple submitters, no conflicts (2 of 4 stars). 2 submissions from 2 submitters: Uncertain significance (2). Last evaluated 2025-04-04.

gnomAD v4.1: 64 of 1,613,924 alleles (0.004%); highest among the groups gnomAD compares: Non-Finnish European, 0.0052%; no homozygotes.

Submissions (2):

Labcorp Genetics (formerly Invitae), Labcorp
Classification: Uncertain significance. Last evaluated: 2025-04-04. Review status: criteria provided, single submitter. Criteria: Invitae Variant Classification Sherloc (09022015). Collection method: clinical testing. Allele origin: germline.
Comment: This sequence change replaces arginine, which is basic and polar, with glutamine, which is neutral and polar, at codon 4492 of the RNF213 protein (p.Arg4492Gln). This variant is present in population databases (rs762926741, gnomAD 0.006%). This variant has not been reported in the literature in individuals affected with RNF213-related conditions. Invitae Evidence Modeling of protein sequence and biophysical properties (such as structural, functional, and spatial information, amino acid conservation, physicochemical variation, residue mobility, and thermodynamic stability) indicates that this missense variant is not expected to disrupt RNF213 protein function with a negative predictive value of 95%. In summary, the available evidence is currently insufficient to determine the role of this variant in disease. Therefore, it has been classified as a Variant of Uncertain Significance.

Blueprint Genetics
Classification: Uncertain significance. Last evaluated: 2020-01-07. Review status: criteria provided, single submitter. Criteria: ACMG Guidelines, 2015. Collection method: clinical testing. Allele origin: germline.